The following is an entry in ClinVar:

ClinVar aggregate classification (germline): Uncertain significance (1 of 4 stars; one submission).

Allele frequency attached by ClinVar (database versions not stated): gnomAD 0.00001; TOPMed 0.00001; ExAC 0.00002; gnomAD exomes 0.00003 and 0.00004; ESP Exome Variant Server 0.00008.
gnomAD v4.1: 49 of 1,614,110 alleles (0.003%); highest among the groups gnomAD compares: Admixed American, 0.015%; no homozygotes.

Submission:

Labcorp Genetics (formerly Invitae), Labcorp
Classification: Uncertain significance. Last evaluated: 2022-03-13. Review status: criteria provided, single submitter. Criteria: Invitae Variant Classification Sherloc (09022015). Collection method: clinical testing. Allele origin: germline.
Comment: This sequence change replaces arginine, which is basic and polar, with cysteine, which is neutral and slightly polar, at codon 2847 of the SZT2 protein (p.Arg2847Cys). This variant is present in population databases (rs376670562, gnomAD 0.02%). This variant has not been reported in the literature in individuals affected with SZT2-related conditions. Algorithms developed to predict the effect of missense changes on protein structure and function are either unavailable or do not agree on the potential impact of this missense change (SIFT: "Tolerated"; PolyPhen-2: "Probably Damaging"; Align-GVGD: "Class C25"). In summary, the available evidence is currently insufficient to determine the role of this variant in disease. Therefore, it has been classified as a Variant of Uncertain Significance.

NM_001365999.1(SZT2):c.8710C>T (p.Arg2904Cys)

Gene: SZT2 (SZT2 subunit of KICSTOR complex; plus strand). Cytogenetic location: 1p34.2.
Variant type: single nucleotide variant.
Coding change: c.8710C>T on transcript NM_001365999.1 (MANE Select); coding-DNA position 8710, C replaced by T.
Protein change: p.Arg2904Cys; replaces arginine 2904 with cysteine.
Molecular consequence: missense variant.
Genome position (GRCh38, 1-based): chr1:43,443,681, C>T. VCF-style: chr1-43443681-C-T. GRCh37 (hg19) VCF-style: chr1-43909352-C-T.
Other names: c.8539C>T, p.Arg2847Cys (NM_015284.4); short protein forms R2904C, R2847C.
Identifiers: ClinVar variation 1370293 (VCV001370293.5), dbSNP rs376670562, ClinGen allele CA810659.